The following is an entry in ClinVar:

ClinVar aggregate classification (germline): Uncertain significance (1 of 4 stars; one submission).

Submission:

Labcorp Genetics (formerly Invitae), Labcorp
Classification: Uncertain significance. Last evaluated: 2021-05-03. Review status: criteria provided, single submitter. Criteria: Invitae Variant Classification Sherloc (09022015). Collection method: clinical testing. Allele origin: germline.
Comment: In summary, the available evidence is currently insufficient to determine the role of this variant in disease. Therefore, it has been classified as a Variant of Uncertain Significance. Algorithms developed to predict the effect of missense changes on protein structure and function (SIFT, PolyPhen-2, Align-GVGD) all suggest that this variant is likely to be disruptive, but these predictions have not been confirmed by published functional studies and their clinical significance is uncertain. This variant has not been reported in the literature in individuals with IMPG2-related conditions. This variant is not present in population databases (ExAC no frequency). This sequence change replaces serine with phenylalanine at codon 379 of the IMPG2 protein (p.Ser379Phe). The serine residue is highly conserved and there is a large physicochemical difference between serine and phenylalanine.

NM_016247.4(IMPG2):c.1136C>T (p.Ser379Phe)

Gene: IMPG2 (interphotoreceptor matrix proteoglycan 2; minus strand). Cytogenetic location: 3q12.3.
Variant type: single nucleotide variant.
Coding change: c.1136C>T on transcript NM_016247.4 (MANE Select); coding-DNA position 1136, C replaced by T.
Protein change: p.Ser379Phe; replaces serine 379 with phenylalanine.
Molecular consequence: missense variant.
Genome position (GRCh38, 1-based): chr3:101,257,546, G>A on the plus strand (C>T on the coding strand, the complement: IMPG2 is on the minus strand). VCF-style: chr3-101257546-G-A. GRCh37 (hg19) VCF-style: chr3-100976390-G-A.
Other names: short protein forms S379F.
Identifiers: ClinVar variation 1365498 (VCV001365498.8), dbSNP rs2107234617, ClinGen allele CA353865287.
Genomic context (GRCh38, chr3:101,257,546, plus strand): 5'-AAAAGAAACTATACAAGGACTTCATGATGGATATCAAACTCACCATTGATAAGCTGCAGG[G>A]AATCAGGATCTGGATTCAAGGAAGAGTTCCCCAGCAAAAAATTCTGCTGCAATGTCTCAG-3'
Protein context (NP_057331.2, residues 369-389): GNSSLNPDPD[Ser379Phe]LQLINVRGVL